The following is an entry in ClinVar:

NM_003073.5(SMARCB1):c.*314CAGGTCATGTTCAATTTCTTCAA[4]

Gene: SMARCB1 (SWI/SNF related BAF chromatin remodeling complex subunit B1; plus strand). Cytogenetic location: 22q11.23.
Variant type: Microsatellite.
Coding change: c.*314CAGGTCATGTTCAATTTCTTCAA[4] on transcript NM_003073.5 (MANE Select); four copies in a row of the 23-base unit CAGGTCATGTTCAATTTCTTCAA starting at c.*314; the reference has two copies in a row; two copies, 46 bases duplicated.
Molecular consequence: 3 prime UTR variant.
Genome position (GRCh38, 1-based): chr22:23,834,494-23,834,539, 46 bases duplicated; duplicating any 46 consecutive bases within chr22:23,834,491-23,834,539 gives the same sequence; the position shown is the placement nearest the transcript's 3' end. GRCh37 (hg19), VCF-style position (the base before the change): chr22:24,176,677.
Other names: c.*314CAGGTCATGTTCAATTTCTTCAA[4] (NM_001007468.3, NM_001317946.2, NM_001362877.2).
Identifiers: ClinVar variation 2652974 (VCV002652974.24), dbSNP rs5030614, ClinGen allele CA10146155.

ClinVar aggregate classification (germline): Benign (1 of 4 stars; one submission).

Submission:

CeGaT Center for Human Genetics Tuebingen
Classification: Benign. Last evaluated: 2022-12-01. Review status: criteria provided, single submitter. Criteria: CeGaT Center For Human Genetics Tuebingen Variant Classification Criteria Version 2. Collection method: clinical testing. Allele origin: germline. Affected: yes. Observed: 1 variant allele.
Comment: SMARCB1: BS1, BS2